The following is an entry in ClinVar:

NM_000219.6(KCNE1):c.274A>C (p.Lys92Gln)

Gene: KCNE1 (potassium voltage-gated channel subfamily E regulatory subunit 1; minus strand). Cytogenetic location: 21q22.12.
Variant type: single nucleotide variant.
Coding change: c.274A>C on transcript NM_000219.6 (MANE Select); coding-DNA position 274, A replaced by C.
Protein change: p.Lys92Gln; replaces lysine 92 with glutamine.
Molecular consequence: missense variant.
Genome position (GRCh38, 1-based): chr21:34,449,361, T>G on the plus strand (A>C on the coding strand, the complement: KCNE1 is on the minus strand). VCF-style: chr21-34449361-T-G. GRCh37 (hg19) VCF-style: chr21-35821659-T-G.
Other names: c.274A>C, p.Lys92Gln (NM_001127668.4, NM_001127669.4, NM_001127670.4 and 4 more transcripts); short protein forms K92Q.
Identifiers: ClinVar variation 3374503 (VCV003374503.2).

Conditions:
Long QT syndrome 5 (LQT5). Identifiers: Orphanet 101016, Orphanet 768, MedGen C1867904, MONDO:0013372, OMIM 613695.

Submission:

Roden Lab, Vanderbilt University Medical Center
No classification provided (evidence only). Condition: Long QT syndrome 5. Review status: no classification provided. Collection method: in vitro. Allele origin: not applicable. Functional consequence: Effect on ion channel function.
ClinVar note: "not provided" was previously submitted as the classification for the variant. However, the classification appeared to be based only on an observation of functional data so it was converted to no classification on 2025-07-30.